The following is an entry in ClinVar:

NM_001197104.2(KMT2A):c.10360C>G (p.Gln3454Glu)

Gene: KMT2A (lysine methyltransferase 2A; plus strand). Cytogenetic location: 11q23.3.
Variant type: single nucleotide variant.
Coding change: c.10360C>G on transcript NM_001197104.2 (MANE Select); coding-DNA position 10360, C replaced by G.
Protein change: p.Gln3454Glu; replaces glutamine 3454 with glutamic acid.
Molecular consequence: missense variant.
Genome position (GRCh38, 1-based): chr11:118,506,252, C>G. VCF-style: chr11-118506252-C-G. GRCh37 (hg19) VCF-style: chr11-118376967-C-G.
Other names: c.10351C>G, p.Gln3451Glu (NM_005933.4); short protein forms Q3451E, Q3454E.
Identifiers: ClinVar variation 1343066 (VCV001343066.9), dbSNP rs781846955, ClinGen allele CA6304733.

ClinVar aggregate classification (germline): Likely benign. Review status: criteria provided, multiple submitters, no conflicts (2 of 4 stars). 4 submissions from 4 submitters: Likely benign (4). Last evaluated 2026-04-01.

Conditions:
Inborn genetic diseases. Identifiers: MedGen C0950123, MeSH D030342.

Allele frequency attached by ClinVar (database versions not stated): TOPMed 0.00002; ExAC 0.00009.
gnomAD v4.1: 20 of 1,614,220 alleles (0.0012%); highest among the groups gnomAD compares: Admixed American, 0.032%; no homozygotes.

Submissions (4):

CeGaT Center for Human Genetics Tuebingen
Classification: Likely benign. Last evaluated: 2026-04-01. Review status: criteria provided, single submitter. Criteria: CeGaT Center For Human Genetics Tuebingen Variant Classification Criteria Version 2. Collection method: clinical testing. Allele origin: germline. Affected: yes. Observed: 1 variant allele.
Comment: KMT2A: BP4, BS2

Labcorp Genetics (formerly Invitae), Labcorp
Classification: Likely benign. Last evaluated: 2025-10-28. Review status: criteria provided, single submitter. Criteria: Invitae Variant Classification Sherloc (09022015). Collection method: clinical testing. Allele origin: germline.

Ambry Genetics
Classification: Likely benign for Inborn genetic diseases. Last evaluated: 2025-03-26. Review status: criteria provided, single submitter. Criteria: Ambry Variant Classification Scheme 2023. Collection method: clinical testing. Allele origin: germline.

GeneDx
Classification: Likely benign. Last evaluated: 2021-09-06. Review status: criteria provided, single submitter. Criteria: GeneDx Variant Classification Process June 2021. Collection method: clinical testing. Allele origin: germline. Affected: yes.